The following is an entry in ClinVar:

ClinVar aggregate classification (germline): Uncertain significance. Review status: criteria provided, single submitter (1 of 4 stars). 2 submissions from 2 submitters: Uncertain significance (1). 1 of the submissions does not count toward it. Last evaluated 2021-09-01.

Conditions:
TH-deficient dopa-responsive dystonia. Also called: DYT-TH; Tyrosine Hydroxylase-Deficient Dopa-Responsive Dystonia; Segawa syndrome, autosomal recessive. Identifiers: Orphanet 101150, MedGen C2673535, MONDO:0011551, OMIM 605407.

Submissions (2):

Labcorp Genetics (formerly Invitae), Labcorp
Classification: Uncertain significance for TH-deficient dopa-responsive dystonia. Last evaluated: 2021-09-01. Review status: criteria provided, single submitter. Criteria: Invitae Variant Classification Sherloc (09022015). Collection method: clinical testing. Allele origin: germline.
Comment: This sequence change replaces arginine with leucine at codon 252 of the TH protein (p.Arg252Leu). The arginine residue is highly conserved and there is a moderate physicochemical difference between arginine and leucine. This variant is not present in population databases (ExAC no frequency). This variant has not been reported in the literature in individuals affected with TH-related conditions. Algorithms developed to predict the effect of missense changes on protein structure and function are either unavailable or do not agree on the potential impact of this missense change (SIFT: "Deleterious"; PolyPhen-2: "Benign"; Align-GVGD: "Class C35"). In summary, the available evidence is currently insufficient to determine the role of this variant in disease. Therefore, it has been classified as a Variant of Uncertain Significance.

Natera, Inc.
Classification: Uncertain significance for Autosomal recessive Segawa syndrome. Last evaluated: 2021-03-31. Review status: no assertion criteria provided. Collection method: clinical testing. Allele origin: germline. Not counted in ClinVar's aggregate classification.

NM_000360.4(TH):c.662G>T (p.Arg221Leu)

Gene: TH (tyrosine hydroxylase; minus strand). Cytogenetic location: 11p15.5.
Variant type: single nucleotide variant.
Coding change: c.662G>T on transcript NM_000360.4 (MANE Select); coding-DNA position 662, G replaced by T.
Protein change: p.Arg221Leu; replaces arginine 221 with leucine.
Molecular consequence: missense variant.
Genome position (GRCh38, 1-based): chr11:2,167,468, C>A on the plus strand (G>T on the coding strand, the complement: TH is on the minus strand). VCF-style: chr11-2167468-C-A. GRCh37 (hg19) VCF-style: chr11-2188698-C-A.
Other names: c.755G>T, p.Arg252Leu (NM_199292.3); c.743G>T, p.Arg248Leu (NM_199293.3); short protein forms R252L, R248L, R221L.
Identifiers: ClinVar variation 412033 (VCV000412033.7), dbSNP rs150559011, ClinGen allele CA16613537.